The following is an entry in ClinVar:

ClinVar aggregate classification (germline): Uncertain significance (1 of 4 stars; one submission).

Submission:

Labcorp Genetics (formerly Invitae), Labcorp
Classification: Uncertain significance. Last evaluated: 2023-11-15. Review status: criteria provided, single submitter. Criteria: Invitae Variant Classification Sherloc (09022015). Collection method: clinical testing. Allele origin: germline.
Comment: This sequence change replaces glycine, which is neutral and non-polar, with serine, which is neutral and polar, at codon 481 of the ALAS2 protein (p.Gly481Ser). This variant is not present in population databases (gnomAD no frequency). This variant has not been reported in the literature in individuals affected with ALAS2-related conditions. Advanced modeling of protein sequence and biophysical properties (such as structural, functional, and spatial information, amino acid conservation, physicochemical variation, residue mobility, and thermodynamic stability) has been performed at Invitae for this missense variant, however the output from this modeling did not meet the statistical confidence thresholds required to predict the impact of this variant on ALAS2 protein function. In summary, the available evidence is currently insufficient to determine the role of this variant in disease. Therefore, it has been classified as a Variant of Uncertain Significance.

NM_000032.5(ALAS2):c.1441G>A (p.Gly481Ser)

Gene: ALAS2 (5'-aminolevulinate synthase 2; minus strand). Cytogenetic location: Xp11.21.
Variant type: single nucleotide variant.
Coding change: c.1441G>A on transcript NM_000032.5 (MANE Select); coding-DNA position 1441, G replaced by A.
Protein change: p.Gly481Ser; replaces glycine 481 with serine.
Molecular consequence: missense variant.
Genome position (GRCh38, 1-based): chrX:55,013,645, C>T on the plus strand (G>A on the coding strand, the complement: ALAS2 is on the minus strand). VCF-style: chrX-55013645-C-T. GRCh37 (hg19) VCF-style: chrX-55040078-C-T.
Other names: c.1330G>A, p.Gly444Ser (NM_001037967.4); c.1402G>A, p.Gly468Ser (NM_001037968.4); short protein forms G481S, G468S, G444S.
Identifiers: ClinVar variation 2696023 (VCV002696023.3), dbSNP rs2519576386, ClinGen allele CA413292315.